The following is an entry in ClinVar:

NM_001365536.1(SCN9A):c.438T>A (p.Asn146Lys)

Gene: SCN9A (sodium voltage-gated channel alpha subunit 9; minus strand). Cytogenetic location: 2q24.3.
Variant type: single nucleotide variant.
Coding change: c.438T>A on transcript NM_001365536.1 (MANE Select); coding-DNA position 438, T replaced by A.
Protein change: p.Asn146Lys; replaces asparagine 146 with lysine.
Molecular consequence: missense variant.
Genome position (GRCh38, 1-based): chr2:166,306,539, A>T on the plus strand (T>A on the coding strand, the complement: SCN9A is on the minus strand). VCF-style: chr2-166306539-A-T. GRCh37 (hg19) VCF-style: chr2-167163049-A-T.
Other names: c.438T>A, p.Asn146Lys (NM_002977.4); short protein forms N146K.
Identifiers: ClinVar variation 2936933 (VCV002936933.3), dbSNP rs991437392, ClinGen allele CA59809378.

ClinVar aggregate classification (germline): Uncertain significance (1 of 4 stars; one submission).

Conditions:
Neuropathy, hereditary sensory and autonomic, type 2A (HSAN2A). Also called: ACROOSTEOLYSIS, GIACCAI TYPE; ACROOSTEOLYSIS, NEUROGENIC; MORVAN DISEASE; NEUROPATHY, CONGENITAL SENSORY; NEUROPATHY, HEREDITARY SENSORY RADICULAR, AUTOSOMAL RECESSIVE; NEUROPATHY, HEREDITARY SENSORY, TYPE IIA. Identifiers: Orphanet 970, MedGen C2752089, MONDO:0024309, OMIM 201300.
Generalized epilepsy with febrile seizures plus, type 7 (GEFSP7). Also called: GEFS+, TYPE 7. Identifiers: Orphanet 36387, MedGen C2751778, MONDO:0013470, OMIM 613863.

Allele frequency attached by ClinVar (database versions not stated): gnomAD exomes below 0.00001; TOPMed 0.00001.
gnomAD v4.1: 2 of 1,579,216 alleles (0.00013%); highest among the groups gnomAD compares: African/African-American, 0.0027%; no homozygotes.

Submission:

Labcorp Genetics (formerly Invitae), Labcorp
Classification: Uncertain significance for Neuropathy, hereditary sensory and autonomic, type 2A; Generalized epilepsy with febrile seizures plus, type 7. Last evaluated: 2022-10-28. Review status: criteria provided, single submitter. Criteria: Invitae Variant Classification Sherloc (09022015). Collection method: clinical testing. Allele origin: germline.
Comment: In summary, the available evidence is currently insufficient to determine the role of this variant in disease. Therefore, it has been classified as a Variant of Uncertain Significance. Advanced modeling of protein sequence and biophysical properties (such as structural, functional, and spatial information, amino acid conservation, physicochemical variation, residue mobility, and thermodynamic stability) performed at Invitae indicates that this missense variant is not expected to disrupt SCN9A protein function. This variant has not been reported in the literature in individuals affected with SCN9A-related conditions. The frequency data for this variant in the population databases is considered unreliable, as metrics indicate poor data quality at this position in the gnomAD database. This sequence change replaces asparagine, which is neutral and polar, with lysine, which is basic and polar, at codon 146 of the SCN9A protein (p.Asn146Lys).